The following is an entry in ClinVar:

NM_006343.3(MERTK):c.14del (p.Pro5fs)

Gene: MERTK (MER proto-oncogene, tyrosine kinase; plus strand). Cytogenetic location: 2q13.
Variant type: Deletion.
Coding change: c.14del on transcript NM_006343.3 (MANE Select); coding-DNA position 14, one base deleted (C; older notation c.14delC).
Protein change: p.Pro5fs; shifts the reading frame from proline 5.
Molecular consequence: frameshift variant.
Genome position (GRCh38, 1-based): chr2:111,898,749, C deleted; the last of 4 consecutive C bases (chr2:111,898,746-111,898,749); deleting any one gives the same sequence. VCF-style (leftmost placement, unchanged base first): chr2-111898745-GC-G. GRCh37 (hg19) VCF-style: chr2-112656322-GC-G.
Other names: short protein forms P5fs.
Identifiers: ClinVar variation 2119008 (VCV002119008.4), dbSNP rs2466693520, ClinGen allele CA2580063745.

ClinVar aggregate classification (germline): Pathogenic (1 of 4 stars; one submission).

Submission:

Labcorp Genetics (formerly Invitae), Labcorp
Classification: Pathogenic. Last evaluated: 2025-09-02. Review status: criteria provided, single submitter. Criteria: Invitae Variant Classification Sherloc (09022015). Collection method: clinical testing. Allele origin: germline.
Comment: This sequence change creates a premature translational stop signal (p.Pro5Argfs*59) in the MERTK gene. It is expected to result in an absent or disrupted protein product. Loss-of-function variants in MERTK are known to be pathogenic (PMID: 24265693, 29659094). This variant is not present in population databases (gnomAD no frequency). This variant has not been reported in the literature in individuals affected with MERTK-related conditions. ClinVar contains an entry for this variant (Variation ID: 2119008). For these reasons, this variant has been classified as Pathogenic.

Literature cited by the submitters: PubMed 24265693; PubMed 29659094.